The following is an entry in ClinVar:

NM_002439.5(MSH3):c.2180G>T (p.Arg727Leu)

Gene: MSH3 (mutS homolog 3; plus strand). Cytogenetic location: 5q14.1.
Variant type: single nucleotide variant.
Coding change: c.2180G>T on transcript NM_002439.5 (MANE Select); coding-DNA position 2180, G replaced by T.
Protein change: p.Arg727Leu; replaces arginine 727 with leucine.
Molecular consequence: missense variant.
Genome position (GRCh38, 1-based): chr5:80,768,930, G>T. VCF-style: chr5-80768930-G-T. GRCh37 (hg19) VCF-style: chr5-80064749-G-T.
Other names: c.2180G>T (NM_002439.3); short protein forms R727L.
Identifiers: ClinVar variation 850404 (VCV000850404.12), dbSNP rs148896355, ClinGen allele CA360279533.
Genomic context (GRCh38, chr5:80,768,930, plus strand): 5'-CTGACTTCCCTTTAATAAAAAAGAGGAAGGATGAAATTCAAGGTGTTATTGACGAGATCC[G>T]AATGCATTTGCAAGAAATACGAAAAATACTAAAAAATCCTTCTGCACAATATGTGACAGT-3'
Protein context (NP_002430.3, residues 717-737): DEIQGVIDEI[Arg727Leu]MHLQEIRKIL

ClinVar aggregate classification (germline): Uncertain significance. Review status: criteria provided, multiple submitters, no conflicts (2 of 4 stars). 2 submissions from 2 submitters: Uncertain significance (2). Last evaluated 2025-03-29.

Conditions:
Hereditary cancer-predisposing syndrome. Also called: Tumor predisposition; Neoplastic Syndromes, Hereditary; Hereditary neoplastic syndrome; Hereditary Cancer Syndrome. Identifiers: Orphanet 140162, MedGen C0027672, MeSH D009386, MONDO:0015356.

Submissions (2):

Ambry Genetics
Classification: Uncertain significance for Hereditary cancer-predisposing syndrome. Last evaluated: 2025-03-29. Review status: criteria provided, single submitter. Criteria: Ambry Variant Classification Scheme 2023. Collection method: clinical testing. Allele origin: germline.
Comment: The p.R727L variant (also known as c.2180G>T), located in coding exon 15 of the MSH3 gene, results from a G to T substitution at nucleotide position 2180. The arginine at codon 727 is replaced by leucine, an amino acid with dissimilar properties. This amino acid position is conserved. In addition, this alteration is predicted to be tolerated by in silico analysis. Since supporting evidence is limited at this time, the clinical significance of this alteration remains unclear.

Labcorp Genetics (formerly Invitae), Labcorp
Classification: Uncertain significance. Last evaluated: 2024-04-15. Review status: criteria provided, single submitter. Criteria: Invitae Variant Classification Sherloc (09022015). Collection method: clinical testing. Allele origin: germline.
Comment: This sequence change replaces arginine, which is basic and polar, with leucine, which is neutral and non-polar, at codon 727 of the MSH3 protein (p.Arg727Leu). This variant is not present in population databases (gnomAD no frequency). This variant has not been reported in the literature in individuals affected with MSH3-related conditions. ClinVar contains an entry for this variant (Variation ID: 850404). An algorithm developed to predict the effect of missense changes on protein structure and function (PolyPhen-2) suggests that this variant is likely to be tolerated. In summary, the available evidence is currently insufficient to determine the role of this variant in disease. Therefore, it has been classified as a Variant of Uncertain Significance.